The following is an entry in ClinVar:

NM_000444.6(PHEX):c.436+2T>A

Gene: PHEX (phosphate regulating endopeptidase X-linked; plus strand). Cytogenetic location: Xp22.11.
Variant type: single nucleotide variant.
Coding change: c.436+2T>A on transcript NM_000444.6 (MANE Select); the canonical splice donor site of the intron after coding-DNA position 436, T replaced by A.
Molecular consequence: splice donor variant.
Genome position (GRCh38, 1-based): chrX:22,076,476, T>A. VCF-style: chrX-22076476-T-A. GRCh37 (hg19) VCF-style: chrX-22094594-T-A.
Other names: c.436+2T>A (NM_001282754.2).
Identifiers: ClinVar variation 957673 (VCV000957673.10), dbSNP rs1929158021, ClinGen allele CA412571216.
Genomic context (GRCh38, chrX:22,076,476, plus strand): 5'-GCGGGACACCGAAGCCATACAGAAAGCCAAAATCCTTTATTCATCCTGCATGAATGAGAG[T>A]GAGTGATGAAGAAAACTAAATAAAATATTTACCATCCCTATCCTTTAGAGTTCTATTAAT-3'

ClinVar aggregate classification (germline): Pathogenic. Review status: criteria provided, multiple submitters, no conflicts (2 of 4 stars). 2 submissions from 2 submitters: Pathogenic (2). Last evaluated 2025-01-22.

Conditions:
Familial X-linked hypophosphatemic vitamin D refractory rickets (XLHRD). Also called: Hypophosphatemic Rickets, X-Linked Dominant; X-Linked Hypophosphatemia; Hypophosphatemia, vitamin D-resistant rickets; Vitamin D-resistant rickets, X-linked; HYPOPHOSPHATEMIC VITAMIN D-RESISTANT RICKETS. Identifiers: Orphanet 89936, MedGen C0733682, MONDO:0010619, OMIM 307800.

Submissions (2):

Women's Health and Genetics/Laboratory Corporation of America, LabCorp
Classification: Pathogenic for Familial X-linked hypophosphatemic vitamin D refractory rickets. Last evaluated: 2025-01-22. Review status: criteria provided, single submitter. Criteria: LabCorp Variant Classification Summary - May 2015. Collection method: clinical testing. Allele origin: germline.
Comment: Variant summary: PHEX c.436+2T>A is located in a canonical splice-site and is predicted to affect mRNA splicing resulting in a significantly altered protein due to either exon skipping, shortening, or inclusion of intronic material. Variants that disrupt the consensus splice site are a relatively common cause of aberrant splicing and loss of PHEX function. Several computational tools predict a significant impact on normal splicing: Four predict the variant abolishes a 5' splicing donor site. These predictions were further confirmed by minigene assays where the variant resulted in skipping of exon 4 (BinEssa_2019). The variant was absent in 182969 control chromosomes (gnomAD). c.436+2T>A has been reported in the literature in individuals affected with X-Linked hypophosphatemic rickets (example: Filisetti_1999, Sarafrazi_2022, Internal data). These data indicate that the variant is likely to be associated with disease. The following publications have been ascertained in the context of this evaluation (PMID: 30682568, 31102713, 10439971, 34806794). ClinVar contains an entry for this variant (Variation ID: 957673). Based on the evidence outlined above, the variant was classified as pathogenic.

Labcorp Genetics (formerly Invitae), Labcorp
Classification: Pathogenic. Last evaluated: 2022-10-19. Review status: criteria provided, single submitter. Criteria: Invitae Variant Classification Sherloc (09022015). Collection method: clinical testing. Allele origin: germline.
Comment: Algorithms developed to predict the effect of sequence changes on RNA splicing suggest that this variant may disrupt the consensus splice site. For these reasons, this variant has been classified as Pathogenic. ClinVar contains an entry for this variant (Variation ID: 957673). This sequence change affects a donor splice site in intron 4 of the PHEX gene. It is expected to disrupt RNA splicing. Variants that disrupt the donor or acceptor splice site typically lead to a loss of protein function (PMID: 16199547), and loss-of-function variants in PHEX are known to be pathogenic (PMID: 9097956, 9106524, 19219621). This variant is not present in population databases (gnomAD no frequency). Disruption of this splice site has been observed in individual(s) with hypophosphatemia (PMID: 10439971; Invitae).

Literature cited by the submitters: PubMed 10439971 (cited by Women's Health and Genetics/Laboratory Corporation of America, LabCorp and Labcorp Genetics (formerly Invitae), Labcorp); PubMed 34806794 (cited by Women's Health and Genetics/Laboratory Corporation of America, LabCorp); PubMed 30682568 (cited by Women's Health and Genetics/Laboratory Corporation of America, LabCorp); PubMed 31102713 (cited by Women's Health and Genetics/Laboratory Corporation of America, LabCorp); PubMed 16199547 (cited by Labcorp Genetics (formerly Invitae), Labcorp); PubMed 9097956 (cited by Labcorp Genetics (formerly Invitae), Labcorp); PubMed 9106524 (cited by Labcorp Genetics (formerly Invitae), Labcorp); PubMed 19219621 (cited by Labcorp Genetics (formerly Invitae), Labcorp).